The following is an entry in ClinVar:

NM_003482.4(KMT2D):c.6992del (p.Leu2331fs)

Gene: KMT2D (lysine methyltransferase 2D; minus strand). Cytogenetic location: 12q13.12.
Variant type: Deletion.
Coding change: c.6992del on transcript NM_003482.4 (MANE Select); coding-DNA position 6992, one base deleted (T; older notation c.6992delT).
Protein change: p.Leu2331fs; shifts the reading frame from leucine 2331.
Molecular consequence: frameshift variant.
Genome position (GRCh38, 1-based): chr12:49,040,778, A deleted on the plus strand (T on the coding strand, the reverse complement: KMT2D is on the minus strand). VCF-style (leftmost placement, unchanged base first): chr12-49040777-CA-C. GRCh37 (hg19) VCF-style: chr12-49434560-CA-C.
Other names: c.6992delT (NM_003482.3); short protein forms L2331fs.
Identifiers: ClinVar variation 547440 (VCV000547440.7), dbSNP rs1555192437, ClinGen allele CA658823404.

ClinVar aggregate classification (germline): Pathogenic/Likely pathogenic. Review status: criteria provided, multiple submitters, no conflicts (2 of 4 stars). 2 submissions from 2 submitters: Pathogenic (1); Likely pathogenic (1). Last evaluated 2018-05-24.

Conditions:
Kabuki syndrome 1 (KABUK1). Also called: KMT2D-Related Kabuki Syndrome. Identifiers: Orphanet 2322, MedGen CN030661, MONDO:0007843, OMIM 147920.
Kabuki syndrome. Also called: NIIKAWA-KUROKI SYNDROME; Kabuki make-up syndrome. Identifiers: Orphanet 2322, MedGen C0796004, MONDO:0016512.

Submissions (2):

Labcorp Genetics (formerly Invitae), Labcorp
Classification: Pathogenic for Kabuki syndrome. Last evaluated: 2018-05-24. Review status: criteria provided, single submitter. Criteria: Invitae Variant Classification Sherloc (09022015). Collection method: clinical testing. Allele origin: germline.
Comment: For these reasons, this variant has been classified as Pathogenic. Loss-of-function variants in KMT2D are known to be pathogenic (PMID: 22126750). This variant has not been reported in the literature in individuals with KMT2D-related disease. This variant is not present in population databases (ExAC no frequency). This sequence change creates a premature translational stop signal (p.Leu2331Argfs*8) in the KMT2D gene. It is expected to result in an absent or disrupted protein product.

Center for Human Genetics, Inc
Classification: Likely pathogenic for Kabuki syndrome 1. Last evaluated: 2016-11-01. Review status: criteria provided, single submitter. Criteria: ACMG Guidelines, 2015. Collection method: clinical testing. Allele origin: germline. Affected: yes.

Literature cited by the submitters: PubMed 22126750 (cited by Labcorp Genetics (formerly Invitae), Labcorp).